The following is an entry in ClinVar:

ClinVar aggregate classification (germline): Pathogenic (0 of 4 stars; one submission).

Conditions:
Polycystic kidney disease. Also called: Polycystic kidney dysplasia; Kidney, Polycystic. Identifiers: MedGen C0022680, MeSH D007690, MONDO:0020642, HP:0000113.

Submission:

Department of Pathology and Laboratory Medicine, Sinai Health System
Classification: Pathogenic for Polycystic Kidney disease. Review status: no assertion criteria provided. Collection method: clinical testing. Allele origin: unknown. Affected: yes. Study: The Canadian Open Genetics Repository (COGR).
Comment: The PKD1 p.Phe3344Serfs*53 variant was not identified in the literature nor was it identified in the dbSNP, ClinVar, LOVD 3.0, ADPKD Mutation Database, PKD1-LOVD, the Exome Aggregation Consortium (August 8th 2016), or the Genome Aggregation Database (Feb 27, 2017). The c.10031del variant is predicted to cause a frameshift, which alters the protein amino acid sequence beginning at codon 3344 and leads to a premature stop codon at position 3396. This alteration is then predicted to result in a truncated or absent protein and loss of function. Loss of function variants of the PKD1 gene are an established mechanism of disease in autosomal dominant polycystic kidney disease and is the type of variant expected to cause the disorder. In summary, based on the above information this variant meets our laboratoryâ€šÃ„Ã´s criteria to be classified as pathogenic.

NM_001009944.3(PKD1):c.10031del (p.Phe3344fs)

Gene: PKD1 (polycystin 1, transient receptor potential channel interacting; minus strand). Cytogenetic location: 16p13.3.
Variant type: Deletion.
Coding change: c.10031del on transcript NM_001009944.3 (MANE Select); coding-DNA position 10031, one base deleted (T; older notation c.10031delT).
Protein change: p.Phe3344fs; shifts the reading frame from phenylalanine 3344.
Molecular consequence: frameshift variant.
Genome position (GRCh38, 1-based): chr16:2,099,663, A deleted on the plus strand (T on the coding strand, the reverse complement: PKD1 is on the minus strand); the first of 2 consecutive A bases (chr16:2,099,663-2,099,664); deleting either gives the same sequence. VCF-style (leftmost placement, unchanged base first): chr16-2099662-GA-G. GRCh37 (hg19) VCF-style: chr16-2149663-GA-G.
Other names: c.10031del, p.Phe3344fs (NM_000296.4); short protein forms F3344fs.
Identifiers: ClinVar variation 997271 (VCV000997271.1), dbSNP rs2092006545, ClinGen allele CA2202040571.